The following is an entry in ClinVar:

NM_001376.5(DYNC1H1):c.11081C>A (p.Ser3694Tyr)

Gene: DYNC1H1 (dynein cytoplasmic 1 heavy chain 1; plus strand). Cytogenetic location: 14q32.31.
Variant type: single nucleotide variant.
Coding change: c.11081C>A on transcript NM_001376.5 (MANE Select); coding-DNA position 11081, C replaced by A.
Protein change: p.Ser3694Tyr; replaces serine 3694 with tyrosine.
Molecular consequence: missense variant.
Genome position (GRCh38, 1-based): chr14:102,038,723, C>A. VCF-style: chr14-102038723-C-A. GRCh37 (hg19) VCF-style: chr14-102505060-C-A.
Other names: short protein forms S3694Y.
Identifiers: ClinVar variation 2502723 (VCV002502723.1), dbSNP rs2503843395, ClinGen allele CA391032330.

ClinVar aggregate classification (germline): Uncertain significance (1 of 4 stars; one submission).

Submission:

GeneDx
Classification: Uncertain significance. Last evaluated: 2022-11-17. Review status: criteria provided, single submitter. Criteria: GeneDx Variant Classification Process June 2021. Collection method: clinical testing. Allele origin: germline. Affected: yes.
Comment: Not observed at significant frequency in large population cohorts (gnomAD); In silico analysis supports that this missense variant has a deleterious effect on protein structure/function; In silico analysis suggests this variant may impact gene splicing. In the absence of RNA/functional studies, the actual effect of this sequence change is unknown.; Has not been previously published as pathogenic or benign to our knowledge